The following is an entry in ClinVar:

NM_001365276.2(TNXB):c.7296C>T (p.Thr2432=)

Gene: TNXB (tenascin XB; minus strand). Cytogenetic location: 6p21.33.
Variant type: single nucleotide variant.
Coding change: c.7296C>T on transcript NM_001365276.2 (MANE Select); coding-DNA position 7296, C replaced by T.
Protein change: p.Thr2432=; no amino-acid change (threonine 2432 retained).
Molecular consequence: synonymous variant.
Genome position (GRCh38, 1-based): chr6:32,061,593, G>A on the plus strand (C>T on the coding strand, the complement: TNXB is on the minus strand). VCF-style: chr6-32061593-G-A. GRCh37 (hg19) VCF-style: chr6-32029370-G-A.
Other names: c.7296C>T, p.Thr2432= (NM_019105.8).
Identifiers: ClinVar variation 1212054 (VCV001212054.6), dbSNP rs753041189, ClinGen allele CA3734197.

ClinVar aggregate classification (germline): Conflicting classifications of pathogenicity. Review status: criteria provided, conflicting classifications (1 of 4 stars). 3 submissions from 3 submitters: Uncertain significance (1); Likely benign (2). Last evaluated 2025-12-27.

Conditions:
Cardiovascular phenotype. Identifiers: MedGen CN230736.

Allele frequency attached by ClinVar (database versions not stated): gnomAD exomes 0.00007; ExAC 0.00008.
gnomAD v4.1: 188 of 1,613,082 alleles (0.012%); highest among the groups gnomAD compares: Non-Finnish European, 0.014%; no homozygotes.

Submissions (3):

Labcorp Genetics (formerly Invitae), Labcorp
Classification: Likely benign. Last evaluated: 2025-12-27. Review status: criteria provided, single submitter. Criteria: Invitae Variant Classification Sherloc (09022015). Collection method: clinical testing. Allele origin: germline.

Ambry Genetics
Classification: Uncertain significance for Cardiovascular phenotype. Last evaluated: 2021-03-12. Review status: criteria provided, single submitter. Criteria: Ambry Variant Classification Scheme 2023. Collection method: clinical testing. Allele origin: germline.
Comment: The c.7296C>T variant (also known as p.T2432T), located in coding exon 20 of the TNXB gene, results from a C to T substitution at nucleotide position 7296. This nucleotide substitution does not change the at codon 2432. This nucleotide position is not well conserved in available vertebrate species. In silico splice site analysis for this alteration is inconclusive. Since supporting evidence is limited at this time, the clinical significance of this alteration remains unclear.

GeneDx
Classification: Likely benign. Last evaluated: 2020-11-13. Review status: criteria provided, single submitter. Criteria: GeneDx Variant Classification Process June 2021. Collection method: clinical testing. Allele origin: germline. Affected: yes.